The following is an entry in ClinVar:

ClinVar aggregate classification (germline): Uncertain significance (1 of 4 stars; one submission).

Allele frequency attached by ClinVar (database versions not stated): gnomAD 0.00001; TOPMed 0.00001.
gnomAD v4.1: 19 of 1,614,058 alleles (0.0012%); highest among the groups gnomAD compares: Non-Finnish European, 0.0015%; no homozygotes.

Submission:

Labcorp Genetics (formerly Invitae), Labcorp
Classification: Uncertain significance. Last evaluated: 2024-06-17. Review status: criteria provided, single submitter. Criteria: Invitae Variant Classification Sherloc (09022015). Collection method: clinical testing. Allele origin: germline.
Comment: This sequence change replaces lysine, which is basic and polar, with glutamic acid, which is acidic and polar, at codon 14 of the POLR3A protein (p.Lys14Glu). This variant is not present in population databases (gnomAD no frequency). This variant has not been reported in the literature in individuals affected with POLR3A-related conditions. ClinVar contains an entry for this variant (Variation ID: 1477308). Advanced modeling of protein sequence and biophysical properties (such as structural, functional, and spatial information, amino acid conservation, physicochemical variation, residue mobility, and thermodynamic stability) performed at Invitae indicates that this missense variant is not expected to disrupt POLR3A protein function with a negative predictive value of 80%. In summary, the available evidence is currently insufficient to determine the role of this variant in disease. Therefore, it has been classified as a Variant of Uncertain Significance.

NM_007055.4(POLR3A):c.40A>G (p.Lys14Glu)

Gene: POLR3A (RNA polymerase III subunit A; minus strand). Cytogenetic location: 10q22.3.
Variant type: single nucleotide variant.
Coding change: c.40A>G on transcript NM_007055.4 (MANE Select); coding-DNA position 40, A replaced by G.
Protein change: p.Lys14Glu; replaces lysine 14 with glutamic acid.
Molecular consequence: missense variant.
Genome position (GRCh38, 1-based): chr10:78,029,368, T>C on the plus strand (A>G on the coding strand, the complement: POLR3A is on the minus strand). VCF-style: chr10-78029368-T-C. GRCh37 (hg19) VCF-style: chr10-79789126-T-C.
Other names: short protein forms K14E.
Identifiers: ClinVar variation 1477308 (VCV001477308.8), dbSNP rs1847668829, ClinGen allele CA377347767.